The following is an entry in ClinVar:

ClinVar aggregate classification (germline): Uncertain significance. Review status: criteria provided, multiple submitters, no conflicts (2 of 4 stars). 3 submissions from 3 submitters: Uncertain significance (3). Last evaluated 2026-06-16.

Conditions:
Inborn genetic diseases. Identifiers: MedGen C0950123, MeSH D030342.
Spastic paraplegia. Identifiers: MedGen C0037772, HP:0001258.

Allele frequency attached by ClinVar (database versions not stated): gnomAD exomes 0.00002; gnomAD 0.00003; TOPMed 0.00005; ExAC 0.00012; 1000 Genomes Project 30x 0.00016; 1000 Genomes Project 0.00020.
gnomAD v4.1: 38 of 1,614,230 alleles (0.0024%); highest among the groups gnomAD compares: Admixed American, 0.063%; no homozygotes.

Submissions (3):

GeneDx
Classification: Uncertain significance. Last evaluated: 2026-06-16. Review status: criteria provided, single submitter. Criteria: GeneDx Variant Classification Process June 2021. Collection method: clinical testing. Allele origin: germline.
Comment: In silico analysis suggests that this missense variant does not alter protein structure/function; Has not been previously published as pathogenic or benign to our knowledge

Ambry Genetics
Classification: Uncertain significance for Inborn genetic diseases. Last evaluated: 2024-11-20. Review status: criteria provided, single submitter. Criteria: Ambry Variant Classification Scheme 2023. Collection method: clinical testing. Allele origin: germline.

Labcorp Genetics (formerly Invitae), Labcorp
Classification: Uncertain significance for Spastic paraplegia. Last evaluated: 2023-12-22. Review status: criteria provided, single submitter. Criteria: Invitae Variant Classification Sherloc (09022015). Collection method: clinical testing. Allele origin: germline.
Comment: This sequence change replaces phenylalanine, which is neutral and non-polar, with isoleucine, which is neutral and non-polar, at codon 351 of the ZFYVE26 protein (p.Phe351Ile). This variant is present in population databases (rs192196884, gnomAD 0.09%). This variant has not been reported in the literature in individuals affected with ZFYVE26-related conditions. ClinVar contains an entry for this variant (Variation ID: 2052933). An algorithm developed to predict the effect of missense changes on protein structure and function (PolyPhen-2) suggests that this variant is likely to be disruptive. In summary, the available evidence is currently insufficient to determine the role of this variant in disease. Therefore, it has been classified as a Variant of Uncertain Significance.

NM_015346.4(ZFYVE26):c.1051T>A (p.Phe351Ile)

Gene: ZFYVE26 (zinc finger FYVE-type containing 26; minus strand). Cytogenetic location: 14q24.1.
Variant type: single nucleotide variant.
Coding change: c.1051T>A on transcript NM_015346.4 (MANE Select); coding-DNA position 1051, T replaced by A.
Protein change: p.Phe351Ile; replaces phenylalanine 351 with isoleucine.
Molecular consequence: missense variant.
Genome position (GRCh38, 1-based): chr14:67,805,585, A>T on the plus strand (T>A on the coding strand, the complement: ZFYVE26 is on the minus strand). VCF-style: chr14-67805585-A-T. GRCh37 (hg19) VCF-style: chr14-68272302-A-T.
Other names: c.1051T>A (NM_015346.3); short protein forms F351I.
Identifiers: ClinVar variation 2052933 (VCV002052933.5), dbSNP rs192196884, ClinGen allele CA7240630.